The following is an entry in ClinVar:

ClinVar aggregate classification (germline): Benign. Review status: criteria provided, multiple submitters, no conflicts (2 of 4 stars). 3 submissions from 3 submitters: Benign (3). Last evaluated 2024-01-24.

Allele frequency attached by ClinVar (database versions not stated): TOPMed 0.72351; 1000 Genomes Project 30x 0.73001; 1000 Genomes Project 0.73862; gnomAD exomes 0.82640.
gnomAD v4.1: 1,169,087 of 1,430,918 alleles (82%); highest among the groups gnomAD compares: East Asian, 94%; 482,319 homozygotes.

Submissions (3):

Unidad de Genómica Garrahan, Hospital de Pediatría Garrahan
Classification: Benign. Last evaluated: 2024-01-24. Review status: criteria provided, single submitter. Criteria: ACMG Guidelines, 2015. Collection method: clinical testing. Allele origin: germline. Affected: no. Observed: 90 variant alleles.
Comment: This variant is classified as Benign based on local population frequency. This variant was detected in 95% of patients studied by a panel of primary immunodeficiencies. Number of patients: 90. Only high quality variants are reported.

GeneDx
Classification: Benign. Last evaluated: 2018-06-23. Review status: criteria provided, single submitter. Criteria: GeneDx Variant Classification Process June 2021. Collection method: clinical testing. Allele origin: germline. Affected: yes.

Breakthrough Genomics
Classification: Benign. Review status: criteria provided, single submitter. Criteria: ACMG Guidelines, 2015. Collection method: not provided. Allele origin: germline. Inheritance: Autosomal recessive inheritance. Affected: yes.

NM_182916.3(TRNT1):c.802+55A>G

Gene: TRNT1 (tRNA nucleotidyl transferase 1; plus strand). Cytogenetic location: 3p26.2.
Variant type: single nucleotide variant.
Coding change: c.802+55A>G on transcript NM_182916.3 (MANE Select); 55 bases into the intron after coding-DNA position 802, A replaced by G.
Molecular consequence: intron variant.
Genome position (GRCh38, 1-based): chr3:3,146,678, A>G. VCF-style: chr3-3146678-A-G. GRCh37 (hg19) VCF-style: chr3-3188362-A-G.
Other names: c.802+55A>G (NM_001367321.1, NM_001367323.1, NM_001367322.1); c.742+115A>G (NM_001302946.2).
Identifiers: ClinVar variation 1225389 (VCV001225389.6), dbSNP rs1672772, ClinGen allele CA15277123.